The following is an entry in ClinVar:

NM_172107.4(KCNQ2):c.1834G>A (p.Glu612Lys)

Gene: KCNQ2 (potassium voltage-gated channel subfamily Q member 2; minus strand). Cytogenetic location: 20q13.33.
Variant type: single nucleotide variant.
Coding change: c.1834G>A on transcript NM_172107.4 (MANE Select); coding-DNA position 1834, G replaced by A.
Protein change: p.Glu612Lys; replaces glutamic acid 612 with lysine.
Molecular consequence: missense variant.
Genome position (GRCh38, 1-based): chr20:63,408,466, C>T on the plus strand (G>A on the coding strand, the complement: KCNQ2 is on the minus strand). VCF-style: chr20-63408466-C-T. GRCh37 (hg19) VCF-style: chr20-62039819-C-T.
Other names: c.1750G>A, p.Glu584Lys (NM_004518.6); c.1780G>A, p.Glu594Lys (NM_172106.3); c.1741G>A, p.Glu581Lys (NM_172108.5); short protein forms E612K, E584K, E581K, E594K.
Identifiers: ClinVar variation 575263 (VCV000575263.11), dbSNP rs1180808546, ClinGen allele CA409640314.

ClinVar aggregate classification (germline): Uncertain significance. Review status: criteria provided, multiple submitters, no conflicts (2 of 4 stars). 2 submissions from 2 submitters: Uncertain significance (2). Last evaluated 2025-07-02.

Conditions:
Early-infantile DEE. Also called: Early infantile epileptic encephalopathy with suppression bursts; Early infantile epileptic encephalopathy; Ohtahara syndrome. Identifiers: Orphanet 1934, MedGen C0393706, MONDO:0800491.
Inborn genetic diseases. Identifiers: MedGen C0950123, MeSH D030342.

Allele frequency attached by ClinVar (database versions not stated): gnomAD exomes below 0.00001.
gnomAD v4.1: 1 of 1,607,772 alleles (0.000062%); highest among the groups gnomAD compares: Non-Finnish European, 0.000085%; no homozygotes.

Submissions (2):

Ambry Genetics
Classification: Uncertain significance for Inborn genetic diseases. Last evaluated: 2025-07-02. Review status: criteria provided, single submitter. Criteria: Ambry Variant Classification Scheme 2023. Collection method: clinical testing. Allele origin: germline.

Labcorp Genetics (formerly Invitae), Labcorp
Classification: Uncertain significance for Early-infantile DEE. Last evaluated: 2018-04-17. Review status: criteria provided, single submitter. Criteria: Invitae Variant Classification Sherloc (09022015). Collection method: clinical testing. Allele origin: germline.
Comment: This variant is not present in population databases (ExAC no frequency). This variant has not been reported in the literature in individuals with KCNQ2-related disease. Algorithms developed to predict the effect of missense changes on protein structure and function do not agree on the potential impact of this missense change (SIFT: "Tolerated"; PolyPhen-2: "Possibly Damaging"; Align-GVGD: "Class C0"). In summary, the available evidence is currently insufficient to determine the role of this variant in disease. Therefore, it has been classified as a Variant of Uncertain Significance. This sequence change replaces glutamic acid with lysine at codon 612 of the KCNQ2 protein (p.Glu612Lys). The glutamic acid residue is highly conserved and there is a small physicochemical difference between glutamic acid and lysine.